The following is an entry in ClinVar:

NM_000784.4(CYP27A1):c.1017G>A (p.Thr339=)

Gene: CYP27A1 (cytochrome P450 family 27 subfamily A member 1; plus strand). Cytogenetic location: 2q35.
Variant type: single nucleotide variant.
Coding change: c.1017G>A on transcript NM_000784.4 (MANE Select); coding-DNA position 1017, G replaced by A.
Protein change: p.Thr339=; no amino-acid change (threonine 339 retained).
Molecular consequence: synonymous variant.
Genome position (GRCh38, 1-based): chr2:218,813,096, G>A. VCF-style: chr2-218813096-G-A. GRCh37 (hg19) VCF-style: chr2-219677819-G-A.
Identifiers: ClinVar variation 284271 (VCV000284271.17), dbSNP rs200553205, ClinGen allele CA2112770.

ClinVar aggregate classification (germline): Conflicting classifications of pathogenicity. Review status: criteria provided, conflicting classifications (1 of 4 stars). 7 submissions from 7 submitters: Uncertain significance (4); Likely benign (1). 2 of the submissions do not count toward it. Last evaluated 2022-09-01.

Conditions:
Cholestanol storage disease (CTX). Also called: Cerebrotendinous Xanthomatosis; CTX: Cerebrotendinous xanthomatosis; CEREBRAL CHOLESTERINOSIS. Identifiers: Orphanet 909, MedGen C0238052, MONDO:0008948, OMIM 213700.

Allele frequency attached by ClinVar (database versions not stated): ExAC 0.00008; gnomAD exomes 0.00009; gnomAD 0.00010 and 0.00013; TOPMed 0.00012; ESP Exome Variant Server 0.00015; 1000 Genomes Project 0.00080; 1000 Genomes Project 30x 0.00109.
gnomAD v4.1: 115 of 1,607,856 alleles (0.0072%); highest among the groups gnomAD compares: East Asian, 0.034%; no homozygotes.

Submissions (8):

Labcorp Genetics (formerly Invitae), Labcorp
Classification: Uncertain significance for Cholestanol storage disease. Last evaluated: 2022-09-01. Review status: criteria provided, single submitter. Criteria: Invitae Variant Classification Sherloc (09022015). Collection method: clinical testing. Allele origin: germline.
Comment: This sequence change affects codon 339 of the CYP27A1 mRNA. It is a 'silent' change, meaning that it does not change the encoded amino acid sequence of the CYP27A1 protein. This variant also falls at the last nucleotide of exon 5, which is part of the consensus splice site for this exon. This variant is present in population databases (rs200553205, gnomAD 0.05%). This variant has not been reported in the literature in individuals affected with CYP27A1-related conditions. ClinVar contains an entry for this variant (Variation ID: 284271). Variants that disrupt the consensus splice site are a relatively common cause of aberrant splicing (PMID: 17576681, 9536098). Algorithms developed to predict the effect of sequence changes on RNA splicing suggest that this variant may create or strengthen a splice site. In summary, the available evidence is currently insufficient to determine the role of this variant in disease. Therefore, it has been classified as a Variant of Uncertain Significance.

Women's Health and Genetics/Laboratory Corporation of America, LabCorp
Classification: Uncertain significance. Last evaluated: 2022-08-11. Review status: criteria provided, single submitter. Criteria: LabCorp Variant Classification Summary - May 2015. Collection method: clinical testing. Allele origin: germline.
Comment: Variant summary: CYP27A1 c.1017G>A (p.Thr339Thr) alters a non-conserved nucleotide located close to a canonical splice site and therefore could affect mRNA splicing, leading to a significantly altered protein sequence. Several computational tools predict a significant impact on normal splicing: Two predict the variant abolishes a canonical 5' splicing donor site and two predict the variant weakens the same 5' donor site. However, this is yet to be confirmed by published functional studies. The variant allele was found at a frequency of 9.3e-05 in 247182 control chromosomes. This frequency is not significantly higher than expected for a pathogenic variant in CYP27A1 causing Cerebrotendinous Xanthomatosis (9.3e-05 vs 0.0011), allowing no conclusion about variant significance. To our knowledge, no occurrence of c.1017G>A in individuals affected with Cerebrotendinous Xanthomatosis and no experimental evidence demonstrating its impact on protein function have been reported. Six ClinVar submitters have assessed the variant since 2014: five classified the variant as of uncertain significance, and one as likely benign. Based on the evidence outlined above, the variant was classified as uncertain significance.

Clinical Genetics, Amsterdam Medical Centre
Classification: Likely benign for Cholestanol storage disease. Last evaluated: 2021-01-08. Review status: criteria provided, single submitter. Criteria: ACMG Guidelines, 2015. Collection method: clinical testing. Allele origin: unknown. Affected: no. Observed: 1 variant allele, 1 homozygote.
Comment: RNA analysis revealed no effect on splicing.

Fulgent Genetics
Classification: Uncertain significance for Cholestanol storage disease. Last evaluated: 2018-10-31. Review status: criteria provided, single submitter. Criteria: ACMG Guidelines, 2015. Collection method: clinical testing. Allele origin: unknown.

Eurofins Ntd Llc (ga)
Classification: Uncertain significance. Last evaluated: 2018-01-09. Review status: criteria provided, single submitter. Criteria: EGL Classification Definitions 2015. Collection method: clinical testing. Allele origin: germline. Observed: 3 variant alleles, 3 heterozygotes.

Natera, Inc.
Classification: Uncertain significance for Cerebrotendinous xanthomatosis. Last evaluated: 2020-02-26. Review status: no assertion criteria provided. Collection method: clinical testing. Allele origin: germline. Not counted in ClinVar's aggregate classification.

Counsyl
Classification: Uncertain significance for Cholestanol storage disease. Last evaluated: 2017-01-27. Review status: no assertion criteria provided. Collection method: clinical testing. Allele origin: unknown. Not counted in ClinVar's aggregate classification.

Dr. Peter K. Rogan Lab, Western University
No classification provided (evidence only). Condition: Ovarian cancer. Review status: no classification provided. Collection method: in vitro. Allele origin: not applicable. Functional consequence: retained intron. Not counted in ClinVar's aggregate classification.

Literature cited by the submitters: PubMed 17576681 (cited by Labcorp Genetics (formerly Invitae), Labcorp); PubMed 9536098 (cited by Labcorp Genetics (formerly Invitae), Labcorp).